The following is an entry in ClinVar:

NM_001372044.2(SHANK3):c.5160C>T (p.Pro1720=)

Gene: SHANK3 (SH3 and multiple ankyrin repeat domains 3; plus strand). Cytogenetic location: 22q13.33.
Variant type: single nucleotide variant.
Coding change: c.5160C>T on transcript NM_001372044.2 (MANE Select); coding-DNA position 5160, C replaced by T.
Protein change: p.Pro1720=; no amino-acid change (proline 1720 retained).
Molecular consequence: synonymous variant.
Genome position (GRCh38, 1-based): chr22:50,731,051, C>T. VCF-style: chr22-50731051-C-T. GRCh37 (hg19) VCF-style: chr22-51169479-C-T.
Other names: c.4935C>T (NM_033517.1).
Identifiers: ClinVar variation 1290001 (VCV001290001.30), dbSNP rs751652089, ClinGen allele CA10326347.

ClinVar aggregate classification (germline): Benign/Likely benign. Review status: criteria provided, multiple submitters, no conflicts (2 of 4 stars). 4 submissions from 4 submitters: Benign (1); Likely benign (3). Last evaluated 2024-07-30.

Conditions:
Inborn genetic diseases. Identifiers: MedGen C0950123, MeSH D030342.
Phelan-McDermid syndrome. Also called: TELOMERIC 22q13 MONOSOMY SYNDROME; Phelan-McDermid Syndrome-SHANK3 Related; 22q13.3 deletion syndrome. Identifiers: Orphanet 48652, MedGen C1853490, MONDO:0011652, OMIM 606232.

Allele frequency attached by ClinVar (database versions not stated): TOPMed 0.00002; gnomAD 0.00003 and 0.00009; 1000 Genomes Project 30x 0.00062.

Submissions (4):

3billion
Classification: Likely benign for Phelan-McDermid syndrome. Last evaluated: 2024-07-30. Review status: criteria provided, single submitter. Criteria: ACMG Guidelines, 2015. Collection method: clinical testing. Allele origin: germline. Affected: no.
Comment: 5 homozygotes were observed in the gnomAD v4.0.0 dataset. In silico tool predict the variant not to alter splicing and produce an abnormal transcript (spliceAI: 0.00). The variant has been reported as benign or likely benign (ClinVar ID: VCV001290001.12). Therefore, this variant is classified as likely benign according to the recommendation of ACMG/AMP guideline.

CeGaT Center for Human Genetics Tuebingen
Classification: Likely benign. Last evaluated: 2023-05-01. Review status: criteria provided, single submitter. Criteria: CeGaT Center For Human Genetics Tuebingen Variant Classification Criteria Version 2. Collection method: clinical testing. Allele origin: germline. Affected: yes. Observed: 2 variant alleles.
Comment: SHANK3: BP4, BP7, BS1

GeneDx
Classification: Benign. Last evaluated: 2021-05-06. Review status: criteria provided, single submitter. Criteria: GeneDx Variant Classification Process June 2021. Collection method: clinical testing. Allele origin: germline. Affected: yes.

Ambry Genetics
Classification: Likely benign for Inborn genetic diseases. Last evaluated: 2019-04-09. Review status: criteria provided, single submitter. Criteria: Ambry Variant Classification Scheme 2023. Collection method: clinical testing. Allele origin: germline.